The following is an entry in ClinVar:

NM_000520.6(HEXA):c.929C>T (p.Ser310Phe)

Gene: HEXA (hexosaminidase subunit alpha; minus strand). Cytogenetic location: 15q23.
Variant type: single nucleotide variant.
Coding change: c.929C>T on transcript NM_000520.6 (MANE Select); coding-DNA position 929, C replaced by T.
Protein change: p.Ser310Phe; replaces serine 310 with phenylalanine.
Molecular consequence: missense variant. On other transcripts: non-coding transcript variant (1).
Genome position (GRCh38, 1-based): chr15:72,349,136, G>A on the plus strand (C>T on the coding strand, the complement: HEXA is on the minus strand). VCF-style: chr15-72349136-G-A. GRCh37 (hg19) VCF-style: chr15-72641477-G-A.
Other names: c.962C>T, p.Ser321Phe (NM_001318825.2); short protein forms S321F, S310F.
Identifiers: ClinVar variation 1766458 (VCV001766458.4), dbSNP rs2542522706, ClinGen allele CA393062325.

ClinVar aggregate classification (germline): Uncertain significance. Review status: criteria provided, multiple submitters, no conflicts (2 of 4 stars). 2 submissions from 2 submitters: Uncertain significance (2). Last evaluated 2021-08-26.

Conditions:
Inborn genetic diseases. Identifiers: MedGen C0950123, MeSH D030342.
Tay-Sachs disease (TSD). Also called: GM2 gangliosidosis, type 1; Hexosaminidase alpha-subunit deficiency (variant B); Sphingolipidosis, Tay-Sachs; Hexosaminidase A Deficiency; HEXA DEFICIENCY; HEXA Disorders. Identifiers: Orphanet 845, MedGen C0039373, MONDO:0010100, OMIM 272800.

gnomAD v4.1: 2 of 1,614,056 alleles (0.00012%); highest among the groups gnomAD compares: African/African-American, 0.0013%; no homozygotes.

Submissions (2):

Labcorp Genetics (formerly Invitae), Labcorp
Classification: Uncertain significance for Tay-Sachs disease. Last evaluated: 2021-08-26. Review status: criteria provided, single submitter. Criteria: Invitae Variant Classification Sherloc (09022015). Collection method: clinical testing. Allele origin: germline.
Comment: This sequence change replaces serine with phenylalanine at codon 310 of the HEXA protein (p.Ser310Phe). The serine residue is moderately conserved and there is a large physicochemical difference between serine and phenylalanine. This variant is not present in population databases (ExAC no frequency). This variant has not been reported in the literature in individuals affected with HEXA-related conditions. Algorithms developed to predict the effect of missense changes on protein structure and function (SIFT, PolyPhen-2, Align-GVGD) all suggest that this variant is likely to be tolerated. In summary, the available evidence is currently insufficient to determine the role of this variant in disease. Therefore, it has been classified as a Variant of Uncertain Significance.

Ambry Genetics
Classification: Uncertain significance for Inborn genetic diseases. Last evaluated: 2016-08-26. Review status: criteria provided, single submitter. Criteria: Ambry Variant Classification Scheme 2023. Collection method: clinical testing. Allele origin: germline.
Comment: The p.S310F variant (also known as c.929C>T), located in coding exon 8 of the HEXA gene, results from a C to T substitution at nucleotide position 929. The serine at codon 310 is replaced by phenylalanine, an amino acid with highly dissimilar properties. This variant was not reported in population based cohorts in the following databases: Database of Single Nucleotide Polymorphisms (dbSNP), NHLBI Exome Sequencing Project (ESP), and 1000 Genomes Project. In the ESP, this variant was not observed in 6496 samples (12992 alleles) with coverage at this position. This amino acid position is not well conserved in available vertebrate species. In addition, the in silico prediction for this alteration is inconclusive. Since supporting evidence is limited at this time, the clinical significance of this alteration remains unclear.